The following is an entry in ClinVar:

NM_000391.4(TPP1):c.1116C>G (p.His372Gln)

Gene: TPP1 (tripeptidyl peptidase 1; minus strand). Cytogenetic location: 11p15.4.
Variant type: single nucleotide variant.
Coding change: c.1116C>G on transcript NM_000391.4 (MANE Select); coding-DNA position 1116, C replaced by G.
Protein change: p.His372Gln; replaces histidine 372 with glutamine.
Molecular consequence: missense variant.
Genome position (GRCh38, 1-based): chr11:6,616,034, G>C on the plus strand (C>G on the coding strand, the complement: TPP1 is on the minus strand). VCF-style: chr11-6616034-G-C. GRCh37 (hg19) VCF-style: chr11-6637265-G-C.
Other names: short protein forms H372Q.
Identifiers: ClinVar variation 419889 (VCV000419889.9), dbSNP rs751321300, ClinGen allele CA5858751.
Genomic context (GRCh38, chr11:6,616,034, plus strand): 5'-TTATACCTGAGTGGTAGGCTAGAGTACTTACCTGGAGGCAGGGAAGGTAGGGCGGAACTG[G>C]TGTCTTCCAGAGACAGACCAACACCCGGCCCCACTGTCACCTGAGAGAGACCAAGTGTAG-3'
Protein context (NP_000382.3, residues 362-382): GAGCWSVSGR[His372Gln]QFRPTFPASS

ClinVar aggregate classification (germline): Uncertain significance. Review status: criteria provided, multiple submitters, no conflicts (2 of 4 stars). 3 submissions from 3 submitters: Uncertain significance (2). 1 of the submissions does not count toward it. Last evaluated 2024-11-07.

Conditions:
Neuronal ceroid lipofuscinosis 2. Also called: TPP1-Related Neuronal Ceroid-Lipofuscinosis; JANSKY-BIELSCHOWSKY DISEASE NEURONAL CEROID LIPOFUSCINOSIS, LATE INFANTILE. Identifiers: Orphanet 168491, Orphanet 228349, Orphanet 79264, MedGen C1876161, MONDO:0008769, OMIM 204500.

Allele frequency attached by ClinVar (database versions not stated): ExAC 0.00002; TOPMed 0.00002; gnomAD exomes 0.00003.
gnomAD v4.1: 22 of 1,614,088 alleles (0.0014%); highest among the groups gnomAD compares: East Asian, 0.049%; no homozygotes.

Submissions (3):

Labcorp Genetics (formerly Invitae), Labcorp
Classification: Uncertain significance. Last evaluated: 2024-11-07. Review status: criteria provided, single submitter. Criteria: Invitae Variant Classification Sherloc (09022015). Collection method: clinical testing. Allele origin: germline.
Comment: This sequence change replaces histidine, which is basic and polar, with glutamine, which is neutral and polar, at codon 372 of the TPP1 protein (p.His372Gln). This variant is present in population databases (rs751321300, gnomAD 0.04%). This variant has not been reported in the literature in individuals affected with TPP1-related conditions. ClinVar contains an entry for this variant (Variation ID: 419889). Invitae Evidence Modeling of protein sequence and biophysical properties (such as structural, functional, and spatial information, amino acid conservation, physicochemical variation, residue mobility, and thermodynamic stability) indicates that this missense variant is not expected to disrupt TPP1 protein function with a negative predictive value of 95%. In summary, the available evidence is currently insufficient to determine the role of this variant in disease. Therefore, it has been classified as a Variant of Uncertain Significance.

GeneDx
Classification: Uncertain significance. Last evaluated: 2018-11-19. Review status: criteria provided, single submitter. Criteria: GeneDx Variant Classification (06012015). Collection method: clinical testing. Allele origin: germline. Affected: yes.
Comment: A variant of uncertain significance has been identified in the TPP1 gene. The H372Q variant has not been published as a pathogenic variant, nor has it been reported as a benign variant to our knowledge. The H372Q variant is not observed at a significant frequency in large population cohorts (Lek et al., 2016; 1000 Genomes Consortium et al., 2015; Exome Variant Server). The H372Q variant is a semi-conservative amino acid substitution, which may impact secondary protein structure as these residues differ in some properties. This substitution occurs at a position that is conserved in mammals. In silico analysis is inconsistent in its predictions as to whether or not the variant is damaging to the protein structure/function. Therefore, based on the currently available information, it is unclear whether this variant is a pathogenic variant or a rare benign variant.

Natera, Inc.
Classification: Uncertain significance for Neuronal ceroid lipofuscinosis 2. Last evaluated: 2019-11-11. Review status: no assertion criteria provided. Collection method: clinical testing. Allele origin: germline. Not counted in ClinVar's aggregate classification.